The following is an entry in ClinVar:

NM_178452.6(DNAAF1):c.1573G>A (p.Glu525Lys)

Gene: DNAAF1 (dynein axonemal assembly factor 1; plus strand). Cytogenetic location: 16q24.1.
Variant type: single nucleotide variant.
Coding change: c.1573G>A on transcript NM_178452.6 (MANE Select); coding-DNA position 1573, G replaced by A.
Protein change: p.Glu525Lys; replaces glutamic acid 525 with lysine.
Molecular consequence: missense variant.
Genome position (GRCh38, 1-based): chr16:84,172,304, G>A. VCF-style: chr16-84172304-G-A. GRCh37 (hg19) VCF-style: chr16-84205910-G-A.
Other names: c.865G>A, p.Glu289Lys (NM_001318756.1); short protein forms E525K, E289K.
Identifiers: ClinVar variation 320776 (VCV000320776.7), dbSNP rs886052370, ClinGen allele CA10638471.

ClinVar aggregate classification (germline): Uncertain significance. Review status: criteria provided, multiple submitters, no conflicts (2 of 4 stars). 2 submissions from 2 submitters: Uncertain significance (2). Last evaluated 2024-03-02.

Conditions:
Primary ciliary dyskinesia. Also called: Ciliary dyskinesia. Identifiers: Orphanet 244, MedGen C0008780, MONDO:0016575, HP:0012265.
Primary ciliary dyskinesia 13. Also called: CILIARY DYSKINESIA, PRIMARY, 13, WITH OR WITHOUT SITUS INVERSUS. Identifiers: Orphanet 244, MedGen C2750790, MONDO:0013174, OMIM 613193.

Submissions (2):

Labcorp Genetics (formerly Invitae), Labcorp
Classification: Uncertain significance for Primary ciliary dyskinesia. Last evaluated: 2024-03-02. Review status: criteria provided, single submitter. Criteria: Invitae Variant Classification Sherloc (09022015). Collection method: clinical testing. Allele origin: germline.
Comment: This sequence change replaces glutamic acid, which is acidic and polar, with lysine, which is basic and polar, at codon 525 of the DNAAF1 protein (p.Glu525Lys). This variant is not present in population databases (gnomAD no frequency). This variant has not been reported in the literature in individuals affected with DNAAF1-related conditions. ClinVar contains an entry for this variant (Variation ID: 320776). An algorithm developed to predict the effect of missense changes on protein structure and function (PolyPhen-2) suggests that this variant is likely to be tolerated. In summary, the available evidence is currently insufficient to determine the role of this variant in disease. Therefore, it has been classified as a Variant of Uncertain Significance.

Illumina Laboratory Services, Illumina
Classification: Uncertain significance for Primary ciliary dyskinesia 13. Last evaluated: 2018-01-13. Review status: criteria provided, single submitter. Criteria: ICSL Variant Classification Criteria 13 December 2019. Collection method: clinical testing. Allele origin: germline.